The following is an entry in ClinVar:

NM_032776.3(JMJD1C):c.4532C>G (p.Thr1511Arg)

Gene: JMJD1C (jumonji domain containing 1C; minus strand). Cytogenetic location: 10q21.3.
Variant type: single nucleotide variant.
Coding change: c.4532C>G on transcript NM_032776.3 (MANE Select); coding-DNA position 4532, C replaced by G.
Protein change: p.Thr1511Arg; replaces threonine 1511 with arginine.
Molecular consequence: missense variant. On other transcripts: non-coding transcript variant (1).
Genome position (GRCh38, 1-based): chr10:63,207,137, G>C on the plus strand (C>G on the coding strand, the complement: JMJD1C is on the minus strand). VCF-style: chr10-63207137-G-C. GRCh37 (hg19) VCF-style: chr10-64966897-G-C.
Other names: c.3986C>G, p.Thr1329Arg (NM_001282948.2, NM_001318154.2); c.3668C>G, p.Thr1223Arg (NM_001318153.2); c.4418C>G, p.Thr1473Arg (NM_001322252.2); c.3875C>G, p.Thr1292Arg (NM_001322254.2, NM_001322258.2); short protein forms T1473R, T1223R, T1511R, T1292R, T1329R.
Identifiers: ClinVar variation 657787 (VCV000657787.8), dbSNP rs762772056, ClinGen allele CA5518253.
Genomic context (GRCh38, chr10:63,207,137, plus strand): 5'-TTTGCTTTGTTAATTGTACTACAGATTACAGTGCTATCCAGAGGAAGGGAGGCTGAAAGT[G>C]TCTGATTTTTTATAGCATTAGGTTCAGTCTCACTGGCATTACTACTTTTATACTGAGCTG-3'
Protein context (NP_116165.1, residues 1501-1521): ETEPNAIKNQ[Thr1511Arg]LSASLPLDST

ClinVar aggregate classification (germline): Uncertain significance (1 of 4 stars; one submission).

Conditions:
Early Myoclonic Encephalopathy. Identifiers: MedGen C0270855.

Allele frequency attached by ClinVar (database versions not stated): TOPMed 0.00008; ExAC 0.00005; gnomAD 0.00006.
gnomAD v4.1: 75 of 1,614,064 alleles (0.0046%); highest among the groups gnomAD compares: Admixed American, 0.013%; no homozygotes.

Submission:

Labcorp Genetics (formerly Invitae), Labcorp
Classification: Uncertain significance for Early Myoclonic Encephalopathy. Last evaluated: 2025-02-09. Review status: criteria provided, single submitter. Criteria: Invitae Variant Classification Sherloc (09022015). Collection method: clinical testing. Allele origin: germline.
Comment: This sequence change replaces threonine, which is neutral and polar, with arginine, which is basic and polar, at codon 1511 of the JMJD1C protein (p.Thr1511Arg). This variant is present in population databases (rs762772056, gnomAD 0.02%). This variant has not been reported in the literature in individuals affected with JMJD1C-related conditions. ClinVar contains an entry for this variant (Variation ID: 657787). Invitae Evidence Modeling of protein sequence and biophysical properties (such as structural, functional, and spatial information, amino acid conservation, physicochemical variation, residue mobility, and thermodynamic stability) indicates that this missense variant is not expected to disrupt JMJD1C protein function with a negative predictive value of 80%. In summary, the available evidence is currently insufficient to determine the role of this variant in disease. Therefore, it has been classified as a Variant of Uncertain Significance.